The following is an entry in ClinVar:

NM_017780.4(CHD7):c.2581G>A (p.Ala861Thr)

Gene: CHD7 (chromodomain helicase DNA binding protein 7; plus strand). Cytogenetic location: 8q12.2.
Variant type: single nucleotide variant.
Coding change: c.2581G>A on transcript NM_017780.4 (MANE Select); coding-DNA position 2581, G replaced by A.
Protein change: p.Ala861Thr; replaces alanine 861 with threonine.
Molecular consequence: missense variant. On other transcripts: intron variant (1).
Genome position (GRCh38, 1-based): chr8:60,816,469, G>A. VCF-style: chr8-60816469-G-A. GRCh37 (hg19) VCF-style: chr8-61729028-G-A.
Other names: c.1716+35419G>A (NM_001316690.1); short protein forms A861T.
Identifiers: ClinVar variation 3687232 (VCV003687232.2).
Genomic context (GRCh38, chr8:60,816,469, plus strand): 5'-GCATCTATAGAAGATCTGGAAAAAGATAAGAGAATTCAGCAAAAAATTAAACGATTTAAG[G>A]CAAAGCAGGGCCAGAACAAGTTCCTTTCAGAGGTACGACATACCTGCTTACTTTTCCAAA-3'
Protein context (NP_060250.2, residues 851-871): RIQQKIKRFK[Ala861Thr]KQGQNKFLSE

ClinVar aggregate classification (germline): Uncertain significance (1 of 4 stars; one submission).

Conditions:
CHARGE syndrome (CHARGE). Also called: Hittner Hirsch Kreh syndrome; CHARGE ASSOCIATION--COLOBOMA, HEART ANOMALY, CHOANAL ATRESIA, RETARDATION, GENITAL AND EAR ANOMALIES; Coloboma, heart anomaly, choanal atresia, retardation, genital and ear anomalies; CHARGE association; Hall-Hittner syndrome. Identifiers: Orphanet 138, MedGen C0265354, MONDO:0008965.

Submission:

Labcorp Genetics (formerly Invitae), Labcorp
Classification: Uncertain significance for CHARGE syndrome. Last evaluated: 2024-07-11. Review status: criteria provided, single submitter. Criteria: Invitae Variant Classification Sherloc (09022015). Collection method: clinical testing. Allele origin: germline.
Comment: This sequence change replaces alanine, which is neutral and non-polar, with threonine, which is neutral and polar, at codon 861 of the CHD7 protein (p.Ala861Thr). This variant is not present in population databases (gnomAD no frequency). This variant has not been reported in the literature in individuals affected with CHD7-related conditions. Advanced modeling of protein sequence and biophysical properties (such as structural, functional, and spatial information, amino acid conservation, physicochemical variation, residue mobility, and thermodynamic stability) performed at Invitae indicates that this missense variant is not expected to disrupt CHD7 protein function with a negative predictive value of 95%. In summary, the available evidence is currently insufficient to determine the role of this variant in disease. Therefore, it has been classified as a Variant of Uncertain Significance.